The following is an entry in ClinVar:

NM_001349338.3(FOXP1):c.1982T>C (p.Phe661Ser)

Gene: FOXP1 (forkhead box P1; minus strand). Cytogenetic location: 3p13.
Variant type: single nucleotide variant.
Coding change: c.1982T>C on transcript NM_001349338.3 (MANE Select); coding-DNA position 1982, T replaced by C.
Protein change: p.Phe661Ser; replaces phenylalanine 661 with serine.
Molecular consequence: missense variant. On other transcripts: non-coding transcript variant (2).
Genome position (GRCh38, 1-based): chr3:70,959,299, A>G on the plus strand (T>C on the coding strand, the complement: FOXP1 is on the minus strand). VCF-style: chr3-70959299-A-G. GRCh37 (hg19) VCF-style: chr3-71008450-A-G.
Other names: c.1982T>C (NM_032682.5); c.1979T>C, p.Phe660Ser (NM_001244808.3, NM_001349341.3); c.2030T>C, p.Phe677Ser (NM_001244810.2); c.1754T>C, p.Phe585Ser (NM_001244812.3); c.1679T>C, p.Phe560Ser (NM_001349344.3, NM_001370548.1, NM_001349337.2 and 1 more transcripts); c.1982T>C, p.Phe661Ser (NM_032682.6, NM_001244814.3, NM_001244816.2 and 1 more transcripts); c.1682T>C, p.Phe561Ser (NM_001244813.3, NM_001244815.2, NM_001349342.3); short protein forms F560S, F561S, F585S, F660S, F661S, F677S.
Identifiers: ClinVar variation 1333829 (VCV001333829.5), dbSNP rs759325225, ClinGen allele CA2490760.

ClinVar aggregate classification (germline): Uncertain significance. Review status: criteria provided, multiple submitters, no conflicts (2 of 4 stars). 3 submissions from 3 submitters: Uncertain significance (3). Last evaluated 2025-12-21.

Conditions:
Inborn genetic diseases. Identifiers: MedGen C0950123, MeSH D030342.
Intellectual disability-severe speech delay-mild dysmorphism syndrome (IDDLA). Also called: Intellectual developmental disorder with language impairment AND with or without autistic features; Mental retardation with language impairment and autistic features; FOXP1 Syndrome. Identifiers: Orphanet 391372, MedGen C4013764, MONDO:0013352, OMIM 613670.

Allele frequency attached by ClinVar (database versions not stated): gnomAD exomes below 0.00001; TOPMed below 0.00001; ExAC 0.00001; gnomAD 0.00001.
gnomAD v4.1: 4 of 1,613,942 alleles (0.00025%); highest among the groups gnomAD compares: Non-Finnish European, 0.00034%; no homozygotes.

Submissions (3):

Labcorp Genetics (formerly Invitae), Labcorp
Classification: Uncertain significance. Last evaluated: 2025-12-21. Review status: criteria provided, single submitter. Criteria: Invitae Variant Classification Sherloc (09022015). Collection method: clinical testing. Allele origin: germline.
Comment: This sequence change replaces phenylalanine, which is neutral and non-polar, with serine, which is neutral and polar, at codon 661 of the FOXP1 protein (p.Phe661Ser). This variant is not present in population databases (gnomAD no frequency). This variant has not been reported in the literature in individuals affected with FOXP1-related conditions. ClinVar contains an entry for this variant (Variation ID: 1333829). Invitae Evidence Modeling of protein sequence and biophysical properties (such as structural, functional, and spatial information, amino acid conservation, physicochemical variation, residue mobility, and thermodynamic stability) indicates that this missense variant is not expected to disrupt FOXP1 protein function with a negative predictive value of 80%. In summary, the available evidence is currently insufficient to determine the role of this variant in disease. Therefore, it has been classified as a Variant of Uncertain Significance.

Ambry Genetics
Classification: Uncertain significance for Inborn genetic diseases. Last evaluated: 2025-02-06. Review status: criteria provided, single submitter. Criteria: Ambry Variant Classification Scheme 2023. Collection method: clinical testing. Allele origin: germline.

CENTOGENE GmbH and LLC - Guiding Precision Medicine
Classification: Uncertain significance for Intellectual disability-severe speech delay-mild dysmorphism syndrome. Last evaluated: 2021-04-09. Review status: criteria provided, single submitter. Criteria: ACMG Guidelines, 2015. Collection method: clinical testing. Allele origin: germline.